The following is an entry in ClinVar:

NM_004333.6(BRAF):c.1236C>T (p.Asn412=)

Gene: BRAF (B-Raf proto-oncogene, serine/threonine kinase; minus strand). Cytogenetic location: 7q34.
Variant type: single nucleotide variant.
Coding change: c.1236C>T on transcript NM_004333.6 (MANE Select); coding-DNA position 1236, C replaced by T.
Protein change: p.Asn412=; no amino-acid change (asparagine 412 retained).
Molecular consequence: synonymous variant. On other transcripts: intron variant (2).
Genome position (GRCh38, 1-based): chr7:140,783,099, G>A on the plus strand (C>T on the coding strand, the complement: BRAF is on the minus strand). VCF-style: chr7-140783099-G-A. GRCh37 (hg19) VCF-style: chr7-140482899-G-A.
Other names: c.1236C>T, p.Asn412= (NM_001354609.2, NM_001378468.1, NM_001378474.1); c.1356C>T, p.Asn452= (NM_001374244.1, NM_001374258.1); c.1245C>T, p.Asn415= (NM_001378467.1); c.1134C>T, p.Asn378= (NM_001378470.1); c.1080C>T, p.Asn360= (NM_001378472.1, NM_001378473.1); c.972C>T, p.Asn324= (NM_001378475.1); c.1141-16C>T (NM_001378471.1); c.1178-8C>T (NM_001378469.1).
Identifiers: ClinVar variation 44798 (VCV000044798.10), dbSNP rs397516888, ClinGen allele CA135061.

ClinVar aggregate classification (germline): Likely benign. Review status: criteria provided, multiple submitters, no conflicts (2 of 4 stars). 5 submissions from 5 submitters: Likely benign (5). Last evaluated 2025-12-16.

Conditions:
Cardiovascular phenotype. Identifiers: MedGen CN230736.
RASopathy. Also called: rasopathies; Noonan spectrum disorder. Identifiers: Orphanet 536391, MedGen C5555857, MONDO:0021060.

Allele frequency attached by ClinVar (database versions not stated): gnomAD 0.00001; gnomAD exomes 0.00001; TOPMed 0.00001.
gnomAD v4.1: 11 of 1,613,928 alleles (0.00068%); highest among the groups gnomAD compares: South Asian, 0.0022%; no homozygotes.

Submissions (5):

Labcorp Genetics (formerly Invitae), Labcorp
Classification: Likely benign for RASopathy. Last evaluated: 2025-12-16. Review status: criteria provided, single submitter. Criteria: Invitae Variant Classification Sherloc (09022015). Collection method: clinical testing. Allele origin: germline.

Ambry Genetics
Classification: Likely benign for Cardiovascular phenotype. Last evaluated: 2025-02-20. Review status: criteria provided, single submitter. Criteria: Ambry Variant Classification Scheme 2023. Collection method: clinical testing. Allele origin: germline.

Blueprint Genetics
Classification: Likely benign. Last evaluated: 2021-10-27. Review status: criteria provided, single submitter. Criteria: ACMG Guidelines, 2015. Collection method: clinical testing. Allele origin: germline.

GeneDx
Classification: Likely benign. Last evaluated: 2016-06-08. Review status: criteria provided, single submitter. Criteria: GeneDx Variant Classification (06012015). Collection method: clinical testing. Allele origin: germline. Affected: yes.
Comment: This variant is considered likely benign or benign based on one or more of the following criteria: it is a conservative change, it occurs at a poorly conserved position in the protein, it is predicted to be benign by multiple in silico algorithms, and/or has population frequency not consistent with disease.

Laboratory for Molecular Medicine, Mass General Brigham Personalized Medicine
Classification: Likely benign. Last evaluated: 2012-08-22. Review status: criteria provided, single submitter. Criteria: LMM Criteria. Collection method: clinical testing. Allele origin: germline. Observed: 1 variant allele.
Comment: Asn412Asn in exon 10 of BRAF: This variant is not expected to have clinical sign ificance because it does not alter an amino acid residue and is not located with in the splice consensus sequence.